The following is an entry in ClinVar:

ClinVar aggregate classification (germline): Uncertain significance. Review status: criteria provided, multiple submitters, no conflicts (2 of 4 stars). 2 submissions from 2 submitters: Uncertain significance (2). Last evaluated 2026-02-18.

Conditions:
Catecholaminergic polymorphic ventricular tachycardia 1. Also called: VENTRICULAR TACHYCARDIA, STRESS-INDUCED POLYMORPHIC 1; VENTRICULAR TACHYCARDIA, CATECHOLAMINERGIC POLYMORPHIC, 1, WITH OR WITHOUT ATRIAL DYSFUNCTION AND/OR DILATED CARDIOMYOPATHY; RYR2-Related Catecholaminergic Polymorphic Ventricular Tachycardia. Identifiers: Orphanet 3286, MedGen C1631597, MONDO:0011484, OMIM 604772.

Allele frequency attached by ClinVar (database versions not stated): TOPMed below 0.00001; gnomAD 0.00001.
gnomAD v4.1: 2 of 1,604,912 alleles (0.00012%); highest among the groups gnomAD compares: African/African-American, 0.0013%; no homozygotes.

Submissions (2):

GeneDx
Classification: Uncertain significance. Last evaluated: 2026-02-18. Review status: criteria provided, single submitter. Criteria: GeneDx Variant Classification Process June 2021. Collection method: clinical testing. Allele origin: germline.
Comment: Not observed at significant frequency in large population cohorts (gnomAD); In silico analysis supports that this missense variant has a deleterious effect on protein structure/function; Has not been previously published as pathogenic or benign to our knowledge; Not located in one of the three hot-spot regions of the RYR2 gene, where the majority of pathogenic missense variants occur (PMID: 19926015); This variant is associated with the following publications: (PMID: 19926015)

Labcorp Genetics (formerly Invitae), Labcorp
Classification: Uncertain significance for Catecholaminergic polymorphic ventricular tachycardia 1. Last evaluated: 2025-10-15. Review status: criteria provided, single submitter. Criteria: Invitae Variant Classification Sherloc (09022015). Collection method: clinical testing. Allele origin: germline.
Comment: This sequence change replaces aspartic acid, which is acidic and polar, with valine, which is neutral and non-polar, at codon 2148 of the RYR2 protein (p.Asp2148Val). This variant is not present in population databases (gnomAD no frequency). This variant has not been reported in the literature in individuals affected with RYR2-related conditions. ClinVar contains an entry for this variant (Variation ID: 1436565). An algorithm developed to predict the effect of missense changes on protein structure and function (PolyPhen-2) suggests that this variant is likely to be disruptive. In summary, the available evidence is currently insufficient to determine the role of this variant in disease. Therefore, it has been classified as a Variant of Uncertain Significance.

NM_001035.3(RYR2):c.6443A>T (p.Asp2148Val)

Gene: RYR2 (ryanodine receptor 2; plus strand). Cytogenetic location: 1q43.
Variant type: single nucleotide variant.
Coding change: c.6443A>T on transcript NM_001035.3 (MANE Select); coding-DNA position 6443, A replaced by T.
Protein change: p.Asp2148Val; replaces aspartic acid 2148 with valine.
Molecular consequence: missense variant.
Genome position (GRCh38, 1-based): chr1:237,631,429, A>T. VCF-style: chr1-237631429-A-T. GRCh37 (hg19) VCF-style: chr1-237794729-A-T.
Other names: c.6443A>T (NM_001035.2); short protein forms D2148V.
Identifiers: ClinVar variation 1436565 (VCV001436565.8), dbSNP rs1375995287, ClinGen allele CA345412126.